The following is an entry in ClinVar:

ClinVar aggregate classification (germline): Conflicting classifications of pathogenicity. Review status: criteria provided, conflicting classifications (1 of 4 stars). 2 submissions from 2 submitters: Uncertain significance (1); Likely benign (1). Last evaluated 2023-03-23.

Conditions:
Hereditary cancer-predisposing syndrome. Also called: Hereditary neoplastic syndrome; Tumor predisposition; Hereditary Cancer Syndrome; Neoplastic Syndromes, Hereditary. Identifiers: Orphanet 140162, MedGen C0027672, MeSH D009386, MONDO:0015356.

Submissions (2):

University of Washington Department of Laboratory Medicine, University of Washington
Classification: Likely benign for Hereditary cancer-predisposing syndrome. Last evaluated: 2023-03-23. Review status: criteria provided, single submitter. Criteria: Dines et al. (Genet Med. 2020). Collection method: curation. Allele origin: germline.
Comment: Missense variant in a coldspot region where missense variants are very unlikely to be pathogenic (PMID:31911673).

BRCA2 exon 11 coldspot. Reclassification based on statistical prior probability.

Color Diagnostics, LLC DBA Color Health
Classification: Uncertain significance for Hereditary cancer-predisposing syndrome. Last evaluated: 2019-05-03. Review status: criteria provided, single submitter. Criteria: ACMG Guidelines, 2015. Collection method: clinical testing. Allele origin: germline.

NM_000059.4(BRCA2):c.2188A>G (p.Lys730Glu)

Gene: BRCA2 (BRCA2 DNA repair associated; plus strand). Cytogenetic location: 13q13.1.
Variant type: single nucleotide variant.
Coding change: c.2188A>G on transcript NM_000059.4 (MANE Select); coding-DNA position 2188, A replaced by G.
Protein change: p.Lys730Glu; replaces lysine 730 with glutamic acid.
Molecular consequence: missense variant.
Genome position (GRCh38, 1-based): chr13:32,336,543, A>G. VCF-style: chr13-32336543-A-G. GRCh37 (hg19) VCF-style: chr13-32910680-A-G.
Other names: short protein forms K730E.
Identifiers: ClinVar variation 491215 (VCV000491215.6), dbSNP rs1555282510, ClinGen allele CA387770416.